The following is an entry in ClinVar:

NM_001323289.2(CDKL5):c.59G>A (p.Gly20Asp)

Gene: CDKL5 (cyclin dependent kinase like 5; plus strand). Cytogenetic location: Xp22.13.
Variant type: single nucleotide variant.
Coding change: c.59G>A on transcript NM_001323289.2 (MANE Select); coding-DNA position 59, G replaced by A.
Protein change: p.Gly20Asp; replaces glycine 20 with aspartic acid.
Molecular consequence: missense variant.
Genome position (GRCh38, 1-based): chrX:18,507,155, G>A. VCF-style: chrX-18507155-G-A. GRCh37 (hg19) VCF-style: chrX-18525275-G-A.
Other names: NM_001323289.2(CDKL5):c.59G>A; p.Gly20Asp; c.59G>A, p.Gly20Asp (NM_001037343.2, NM_003159.3); short protein forms G20D.
Identifiers: ClinVar variation 189548 (VCV000189548.11), dbSNP rs786204962, ClinGen allele CA235605.

ClinVar aggregate classification (germline): Likely pathogenic. Review status: criteria provided, multiple submitters, no conflicts (2 of 4 stars). 3 submissions from 3 submitters: Likely pathogenic (2). 1 of the submissions does not count toward it. Last evaluated 2024-07-04.

Conditions:
CDKL5 disorder. Identifiers: MedGen CN296942, MONDO:0100039.
Developmental and epileptic encephalopathy, 2 (DEE2). Also called: INFANTILE SPASM SYNDROME, X-LINKED 2; CDKL5 deficiency disorder. Identifiers: Orphanet 1934, Orphanet 3451, Orphanet 505652, MedGen C4750718, MONDO:0010396, OMIM 300672.
Angelman syndrome-like. Identifiers: MedGen CN128785.

Submissions (3):

Centre for Population Genomics, CPG
Classification: Likely pathogenic for CDKL5 disorder. Last evaluated: 2024-07-04. Review status: criteria provided, single submitter. Criteria: McKnight et al. (Hum Mutat. 2022). Collection method: curation. Allele origin: germline. Inheritance: X-linked inheritance.
Comment: This variant has been collected from RettBASE and curated to current modified ACMG/AMP criteria. Based on the classification scheme defined by the ClinGen Rett/Angelman-like Expert Panel for Rett/AS-like Disorders Specifications to the ACMG/AMP Variant Interpretation Guidelines VCEP 3.0, this variant is classified as likely pathogenic. At least the following criteria are met: Occurs in the well-characterized ATP binding region of CDKL5 (PM1). Another missense variant in the same codon has been classified as pathogenic (PM5, ClinVar Variation ID: 918032). Computational prediction analysis tools suggests a deleterious impact (REVEL score>= 0.75) (PP3). This variant is absent from gnomAD (PM2_Supporting).

Labcorp Genetics (formerly Invitae), Labcorp
Classification: Likely pathogenic for Developmental and epileptic encephalopathy, 2; Angelman syndrome-like. Last evaluated: 2022-02-05. Review status: criteria provided, single submitter. Criteria: Invitae Variant Classification Sherloc (09022015). Collection method: clinical testing. Allele origin: germline.
Comment: In summary, the currently available evidence indicates that the variant is pathogenic, but additional data are needed to prove that conclusively. Therefore, this variant has been classified as Likely Pathogenic. This variant disrupts the p.Gly20 amino acid residue in CDKL5. Other variant(s) that disrupt this residue have been determined to be pathogenic (PMID: 20397747, 29420175). This suggests that this residue is clinically significant, and that variants that disrupt this residue are likely to be disease-causing. Experimental studies have shown that this missense change affects CDKL5 function (PMID: 30266825). Advanced modeling of protein sequence and biophysical properties (such as structural, functional, and spatial information, amino acid conservation, physicochemical variation, residue mobility, and thermodynamic stability) performed at Invitae indicates that this missense variant is expected to disrupt CDKL5 protein function. ClinVar contains an entry for this variant (Variation ID: 189548). This variant has not been reported in the literature in individuals affected with CDKL5-related conditions. This variant is not present in population databases (gnomAD no frequency). This sequence change replaces glycine, which is neutral and non-polar, with aspartic acid, which is acidic and polar, at codon 20 of the CDKL5 protein (p.Gly20Asp).

RettBASE
Classification: Likely pathogenic. Last evaluated: 2014-03-13. Review status: no assertion criteria provided. Collection method: curation. Allele origin: unknown. Observed: 1 variant allele. Not counted in ClinVar's aggregate classification.
Comment: Conserved amino acid in the catalytic domain

Literature cited by the submitters: PubMed 20397747 (cited by Labcorp Genetics (formerly Invitae), Labcorp); PubMed 29420175 (cited by Labcorp Genetics (formerly Invitae), Labcorp); PubMed 30266825 (cited by Labcorp Genetics (formerly Invitae), Labcorp); PubMed 23064044 (cited by RettBASE).